The following is an entry in ClinVar:

ClinVar aggregate classification (germline): Pathogenic/Likely pathogenic. Review status: criteria provided, multiple submitters, no conflicts (2 of 4 stars). 2 submissions from 2 submitters: Pathogenic (1); Likely pathogenic (1). Last evaluated 2018-07-01.

Conditions:
Tubulinopathy. Also called: Tubulinopathies. Identifiers: MedGen CN850169, MONDO:0100153.

Submissions (2):

Institute of Human Genetics, FAU Erlangen, Friedrich-Alexander-Universität Erlangen-Nürnberg
Classification: Pathogenic for Tubulinopathies. Last evaluated: 2018-07-01. Review status: criteria provided, single submitter. Criteria: ACMG Guidelines, 2015. Collection method: literature only. Allele origin: de novo. Affected: yes. Observed: 1 variant allele.
Comment: The c.1096G>A, p.(Gly366Arg) variant has been reported as a variant of de novo origin. This variant and associated phenotype was previously reported by Okumura et al. Brain Dev, 2013 PMID: 22633752. Agyria-pachygyria (HP:0031883, HP:0001302); no Abnormality of the cerebellar vermis (-HP:0002334); Hypoplasia of the brainstem (HP:0002365); Cerebellar hypoplasia (HP:0001321); Hypoplastic hippocampus (HP:0025517); Dilation of lateral ventricles (HP:0006956); Microcephaly (HP:0000252); Generalized tonic-clonic seizures, Infantile spasms (HP:0002069, HP:0012469)

GeneDx
Classification: Likely pathogenic. Last evaluated: 2017-06-28. Review status: criteria provided, single submitter. Criteria: GeneDx Variant Classification (06012015). Collection method: clinical testing. Allele origin: germline. Affected: yes.
Comment: A variant that is likely pathogenic has been identified in the TUBA1A gene. The G366R variant has been reported previously as a de novo variant in an individual with lissencephaly; however, functional characterization of the variant was not completed (Okumura et al., 2013). The G366R variant is not observed in large population cohorts (Lek et al., 2016; 1000 Genomes Consortium et al., 2015; Exome Variant Server). The G366R variant is a non-conservative amino acid substitution, which is likely to impact secondary protein structure as these residues differ in polarity, charge, size and/or other properties. This substitution occurs at a position that is conserved across species, and in silico analysis predicts this variant is probably damaging to the protein structure/function. Furthermore, missense variants in nearby residues (A369T, V371E) have been reported in the Human Gene Mutation Database in association with TUBA1A-related disorders (Stenson et al., 2014). Therefore, this variant is likely pathogenic; however, the possibility that it is benign cannot be excluded.

Literature cited by the submitters: PubMed 30744660 (cited by Institute of Human Genetics, FAU Erlangen, Friedrich-Alexander-Universität Erlangen-Nürnberg); DOI 10.1101/427948 (cited by Institute of Human Genetics, FAU Erlangen, Friedrich-Alexander-Universität Erlangen-Nürnberg).

NM_006009.4(TUBA1A):c.1096G>A (p.Gly366Arg)

Gene: TUBA1A (tubulin alpha 1a; minus strand). Cytogenetic location: 12q13.12.
Variant type: single nucleotide variant.
Coding change: c.1096G>A on transcript NM_006009.4 (MANE Select); coding-DNA position 1096, G replaced by A.
Protein change: p.Gly366Arg; replaces glycine 366 with arginine.
Molecular consequence: missense variant.
Genome position (GRCh38, 1-based): chr12:49,185,270, C>T on the plus strand (G>A on the coding strand, the complement: TUBA1A is on the minus strand). VCF-style: chr12-49185270-C-T. GRCh37 (hg19) VCF-style: chr12-49579053-C-T.
Other names: c.1096G>A, p.Gly366Arg (NM_001270399.2); c.991G>A, p.Gly331Arg (NM_001270400.2); short protein forms G366R, G331R.
Identifiers: ClinVar variation 449342 (VCV000449342.3), dbSNP rs1555162299, ClinGen allele CA384636084.